The following is an entry in ClinVar:

ClinVar aggregate classification (germline): Uncertain significance. Review status: criteria provided, multiple submitters, no conflicts (2 of 4 stars). 3 submissions from 3 submitters: Uncertain significance (3). Last evaluated 2025-12-05.

Conditions:
TTN-related disorder. Also called: TTN-related condition; TTN-related disease; TTN-related disorders.

Allele frequency attached by ClinVar (database versions not stated): TOPMed 0.00003; gnomAD 0.00004.
gnomAD v4.1: 26 of 1,613,282 alleles (0.0016%); highest among the groups gnomAD compares: African/African-American, 0.0027%; no homozygotes.

Submissions (3):

PreventionGenetics, part of Exact Sciences
Classification: Uncertain significance for TTN-related condition. Last evaluated: 2025-12-05. Review status: criteria provided, single submitter. Criteria: ACMG Guidelines, 2015. Collection method: clinical testing. Allele origin: germline.
Comment: The TTN c.29182A>G variant is predicted to result in the amino acid substitution p.Asn9728Asp. To our knowledge, this variant has not been reported in the literature. This variant is reported in 0.0031% of alleles in individuals of European (Non-Finnish) descent in gnomAD. At this time, the clinical significance of this variant is uncertain due to the absence of conclusive functional and genetic evidence.

Revvity Omics, Revvity
Classification: Uncertain significance. Last evaluated: 2023-01-06. Review status: criteria provided, single submitter. Criteria: ACMG Guidelines, 2015. Collection method: clinical testing. Allele origin: germline.

GeneDx
Classification: Uncertain significance. Last evaluated: 2014-03-10. Review status: criteria provided, single submitter. Criteria: GeneDx Variant Classification (06012015). Collection method: clinical testing. Allele origin: germline. Affected: yes.
Comment: Missense variants in the TTN gene are considered 'unclassified' if they are not previously reported in the literature and do not have >1% frequency in the population to be considered a polymorphism. Research indicates that truncating mutations in the TTN gene are expected to account for approximately 25% of familial and 18% of sporadic idiopathic DCM; however, truncating variants in the TTN gene have been reported in approximately 3% of reported control alleles. There has been little investigation into non-truncating variants. (Herman D et al. Truncations of titin causing dilated cardiomyopathy. N Eng J Med 366:619-628, 2012) The variant is found in CARDIOMYOPATHY panel(s).

NM_001267550.2(TTN):c.29182A>G (p.Asn9728Asp)

Gene: TTN (titin; minus strand). Cytogenetic location: 2q31.2.
Variant type: single nucleotide variant.
Coding change: c.29182A>G on transcript NM_001267550.2 (MANE Select); coding-DNA position 29182, A replaced by G.
Protein change: p.Asn9728Asp; replaces asparagine 9728 with aspartic acid.
Molecular consequence: missense variant. On other transcripts: intron variant (3).
Genome position (GRCh38, 1-based): chr2:178,706,692, T>C on the plus strand (A>G on the coding strand, the complement: TTN is on the minus strand). VCF-style: chr2-178706692-T-C. GRCh37 (hg19) VCF-style: chr2-179571419-T-C.
Other names: p.N9411D:AAT>GAT; c.28231A>G, p.Asn9411Asp (NM_001256850.1); c.25450A>G, p.Asn8484Asp (NM_133378.4); c.13282+31390A>G (NM_003319.4); c.13858+31390A>G (NM_133437.4); c.13657+31390A>G (NM_133432.3); short protein forms N9411D, N9728D, N8484D.
Identifiers: ClinVar variation 202548 (VCV000202548.6), dbSNP rs794729400, ClinGen allele CA309554.